The following is an entry in ClinVar:

ClinVar aggregate classification (germline): Conflicting classifications of pathogenicity. Review status: criteria provided, conflicting classifications (1 of 4 stars). 5 submissions from 5 submitters: Uncertain significance (4); Likely benign (1). Last evaluated 2025-12-08.

Conditions:
CACNA1S-related disorder. Also called: CACNA1S-related condition.
Hypokalemic periodic paralysis, type 1. Also called: Hypokalemic Periodic Paralysis Type 1 (AD); HypoPP. Identifiers: Orphanet 681, MedGen C3714580, MONDO:0042979, OMIM 170400.
Malignant hyperthermia, susceptibility to, 5 (MHS5). Also called: CACNA1S-Related Malignant Hyperthermia Susceptibility. Identifiers: Orphanet 423, MedGen C1866077, MONDO:0011163, OMIM 601887.
Inborn genetic diseases. Identifiers: MedGen C0950123, MeSH D030342.

Allele frequency attached by ClinVar (database versions not stated): gnomAD exomes 0.00001; TOPMed 0.00001; ExAC 0.00002; gnomAD 0.00002.
gnomAD v4.1: 19 of 1,613,940 alleles (0.0012%); highest among the groups gnomAD compares: Middle Eastern, 0.016%; no homozygotes.

Submissions (5):

PreventionGenetics, part of Exact Sciences
Classification: Uncertain significance for CACNA1S-related condition. Last evaluated: 2025-12-08. Review status: criteria provided, single submitter. Criteria: ACMG Guidelines, 2015. Collection method: clinical testing. Allele origin: germline.
Comment: The CACNA1S c.1531A>C variant is predicted to result in the amino acid substitution p.Ile511Leu. To our knowledge, this variant has not been reported in the literature. This variant is reported in 0.0033% of alleles in individuals of South Asian descent in gnomAD. At this time, the clinical significance of this variant is uncertain due to the absence of conclusive functional and genetic evidence.

Ambry Genetics
Classification: Uncertain significance for Inborn genetic diseases. Last evaluated: 2025-03-27. Review status: criteria provided, single submitter. Criteria: Ambry Variant Classification Scheme 2023. Collection method: clinical testing. Allele origin: germline.

Labcorp Genetics (formerly Invitae), Labcorp
Classification: Likely benign for Hypokalemic periodic paralysis, type 1; Malignant hyperthermia, susceptibility to, 5. Last evaluated: 2024-09-20. Review status: criteria provided, single submitter. Criteria: Invitae Variant Classification Sherloc (09022015). Collection method: clinical testing. Allele origin: germline.

Color Diagnostics, LLC DBA Color Health
Classification: Uncertain significance for Malignant hyperthermia, susceptibility to, 5. Last evaluated: 2024-07-23. Review status: criteria provided, single submitter. Criteria: ACMG Guidelines, 2015. Collection method: clinical testing. Allele origin: germline.
Comment: This missense variant replaces isoleucine with leucine at codon 511 of the CACNA1S protein. Computational prediction suggests that this variant may not impact protein structure and function. To our knowledge, functional studies have not been reported for this variant. This variant has not been reported in individuals affected with CACNA1S-related disorders in the literature. This variant has been identified in 2/251468 chromosomes in the general population by the Genome Aggregation Database (gnomAD). The available evidence is insufficient to determine the role of this variant in disease conclusively. Therefore, this variant is classified as a Variant of Uncertain Significance.

Revvity Omics, Revvity
Classification: Uncertain significance. Last evaluated: 2023-06-30. Review status: criteria provided, single submitter. Criteria: ACMG Guidelines, 2015. Collection method: clinical testing. Allele origin: germline.

NM_000069.3(CACNA1S):c.1531A>C (p.Ile511Leu)

Gene: CACNA1S (calcium voltage-gated channel subunit alpha1 S; minus strand). Cytogenetic location: 1q32.1.
Variant type: single nucleotide variant.
Coding change: c.1531A>C on transcript NM_000069.3 (MANE Select); coding-DNA position 1531, A replaced by C.
Protein change: p.Ile511Leu; replaces isoleucine 511 with leucine.
Molecular consequence: missense variant.
Genome position (GRCh38, 1-based): chr1:201,077,967, T>G on the plus strand (A>C on the coding strand, the complement: CACNA1S is on the minus strand). VCF-style: chr1-201077967-T-G. GRCh37 (hg19) VCF-style: chr1-201047095-T-G.
Other names: c.1531A>C (NM_000069.2); short protein forms I511L.
Identifiers: ClinVar variation 1496753 (VCV001496753.11), dbSNP rs748021245, ClinGen allele CA078364.